The following is an entry in ClinVar:

NM_001367624.2(ZNF469):c.6091G>A (p.Glu2031Lys)

Gene: ZNF469 (zinc finger protein 469; plus strand). Cytogenetic location: 16q24.2.
Variant type: single nucleotide variant.
Coding change: c.6091G>A on transcript NM_001367624.2 (MANE Select); coding-DNA position 6091, G replaced by A.
Protein change: p.Glu2031Lys; replaces glutamic acid 2031 with lysine.
Molecular consequence: missense variant.
Genome position (GRCh38, 1-based): chr16:88,433,561, G>A. VCF-style: chr16-88433561-G-A. GRCh37 (hg19) VCF-style: chr16-88499969-G-A.
Other names: NM_001127464.1:c.6007G>A; NM_001127464.2:c.6007G>A; short protein forms E2031K.
Identifiers: ClinVar variation 126927 (VCV000126927.9), dbSNP rs273585622, ClinGen allele CA151293.

ClinVar aggregate classification (germline): Conflicting classifications of pathogenicity. Review status: criteria provided, conflicting classifications (1 of 4 stars). 4 submissions from 4 submitters: Uncertain significance (2); Likely benign (1). 1 of the submissions does not count toward it. Last evaluated 2023-12-11.

Conditions:
Ehlers-Danlos syndrome (EDS). Identifiers: Orphanet 98249, MedGen C0013720, MONDO:0020066.
Keratoconus 1 (KTCN1). Identifiers: MedGen C1835677, MONDO:0007851, OMIM 148300.

Allele frequency attached by ClinVar (database versions not stated): gnomAD 0.00001 and 0.00003; TOPMed 0.00002; 1000 Genomes Project 30x 0.00016.
gnomAD v4.1: 119 of 1,550,346 alleles (0.0077%); highest among the groups gnomAD compares: South Asian, 0.079%; 2 homozygotes.

Submissions (4):

Labcorp Genetics (formerly Invitae), Labcorp
Classification: Uncertain significance. Last evaluated: 2023-12-11. Review status: criteria provided, single submitter. Criteria: Invitae Variant Classification Sherloc (09022015). Collection method: clinical testing. Allele origin: germline.
Comment: This sequence change replaces glutamic acid, which is acidic and polar, with lysine, which is basic and polar, at codon 2003 of the ZNF469 protein (p.Glu2003Lys). This variant is present in population databases (rs273585622, gnomAD 0.08%). This missense change has been observed in individual(s) with clinical features of ZNF469-related conditions (PMID: 24895405). ClinVar contains an entry for this variant (Variation ID: 126927). Algorithms developed to predict the effect of missense changes on protein structure and function output the following: SIFT: "Not Available"; PolyPhen-2: "Benign"; Align-GVGD: "Not Available". The lysine amino acid residue is found in multiple mammalian species, which suggests that this missense change does not adversely affect protein function. In summary, the available evidence is currently insufficient to determine the role of this variant in disease. Therefore, it has been classified as a Variant of Uncertain Significance.

Genome Diagnostics Laboratory, The Hospital for Sick Children
Classification: Likely benign for Ehlers-Danlos syndrome. Last evaluated: 2020-01-01. Review status: criteria provided, single submitter. Criteria: ACMG Guidelines, 2015. Collection method: clinical testing. Allele origin: germline.

GeneDx
Classification: Uncertain significance. Last evaluated: 2019-05-06. Review status: criteria provided, single submitter. Criteria: GeneDx Variant Classification Process June 2021. Collection method: clinical testing. Allele origin: germline. Affected: yes.
Comment: In silico analysis, which includes protein predictors and evolutionary conservation, supports that this variant does not alter protein structure/function; This variant is associated with the following publications: (PMID: 24895405)

Willoughby Group, Queen's University Belfast
Classification: Benign for Keratoconus 1. Review status: no assertion criteria provided. Collection method: not provided. Allele origin: germline. Not counted in ClinVar's aggregate classification.
ClinVar note: Converted during submission from non-pathogenic to Benign.

Literature cited by the submitters: PubMed 24895405 (cited by Labcorp Genetics (formerly Invitae), Labcorp).